The following is an entry in ClinVar:

NM_001348716.2(KDM6B):c.2662C>T (p.Pro888Ser)

Gene: KDM6B (lysine demethylase 6B; plus strand). Cytogenetic location: 17p13.1.
Variant type: single nucleotide variant.
Coding change: c.2662C>T on transcript NM_001348716.2 (MANE Select); coding-DNA position 2662, C replaced by T.
Protein change: p.Pro888Ser; replaces proline 888 with serine.
Molecular consequence: missense variant.
Genome position (GRCh38, 1-based): chr17:7,848,950, C>T. VCF-style: chr17-7848950-C-T. GRCh37 (hg19) VCF-style: chr17-7752268-C-T.
Other names: c.2662C>T, p.Pro888Ser (NM_001080424.2); short protein forms P888S.
Identifiers: ClinVar variation 264772 (VCV000264772.4), dbSNP rs1597847739, ClinGen allele CA397920965.

ClinVar aggregate classification (germline): Uncertain significance. Review status: criteria provided, single submitter (1 of 4 stars). 2 submissions from 2 submitters: Uncertain significance (1). 1 of the submissions does not count toward it. Last evaluated 2026-04-23.

gnomAD v4.1: 1 of 1,589,778 alleles (0.000063%); no homozygotes.

Submissions (2):

Women's Health and Genetics/Laboratory Corporation of America, LabCorp
Classification: Uncertain significance. Last evaluated: 2026-04-23. Review status: criteria provided, single submitter. Criteria: LabCorp Variant Classification Summary - May 2015. Collection method: clinical testing. Allele origin: germline.
Comment: Variant summary: KDM6B c.2662C>T (p.Pro888Ser) results in a non-conservative amino acid change in the encoded protein sequence. Algorithms developed to predict the effect of missense changes on protein structure and function are either unavailable or do not agree on the potential impact of this missense change. The variant was absent in 204790 control chromosomes. The available data on variant occurrences in the general population are insufficient to allow any conclusion about variant significance. c.2662C>T has been observed in the homozygous state in at least one individual affected with moderate intellectual disability, facial dysmorphism, syndactyly, and short toes (example: Najmabadi_2011). This report does not provide unequivocal conclusions about association of the variant with Neurodevelopmental Disorder With Coarse Facies And Mild Distal Skeletal Abnormalities. To our knowledge, no experimental evidence demonstrating an impact on protein function has been reported. The following publications have been ascertained in the context of this evaluation (PMID: 21937992, 31124279). ClinVar contains an entry for this variant (Variation ID: 264772). Based on the evidence outlined above, the variant was classified as uncertain significance.

OMIM
Classification: Uncertain significance for VARIANT OF UNKNOWN SIGNIFICANCE. Last evaluated: 2011-09-21. Review status: no assertion criteria provided. Collection method: literature only. Allele origin: germline. Not counted in ClinVar's aggregate classification.

Literature cited by the submitters: PubMed 21937992 (cited by Women's Health and Genetics/Laboratory Corporation of America, LabCorp and OMIM); PubMed 31124279 (cited by Women's Health and Genetics/Laboratory Corporation of America, LabCorp); PubMed 21063731 (cited by OMIM).